The following is an entry in ClinVar:

ClinVar aggregate classification (germline): Uncertain significance (1 of 4 stars; one submission).

Submission:

GeneDx
Classification: Uncertain significance. Last evaluated: 2025-03-30. Review status: criteria provided, single submitter. Criteria: GeneDx Variant Classification Process June 2021. Collection method: clinical testing. Allele origin: germline. Affected: yes.
Comment: Not observed at significant frequency in large population cohorts (gnomAD); In silico analysis supports that this missense variant has a deleterious effect on protein structure/function; Has not been previously published as pathogenic or benign to our knowledge; This variant is associated with the following publications: (PMID: 25512093, 25609763, 26100331)

NM_001376.5(DYNC1H1):c.4268A>T (p.Asn1423Ile)

Gene: DYNC1H1 (dynein cytoplasmic 1 heavy chain 1; plus strand). Cytogenetic location: 14q32.31.
Variant type: single nucleotide variant.
Coding change: c.4268A>T on transcript NM_001376.5 (MANE Select); coding-DNA position 4268, A replaced by T.
Protein change: p.Asn1423Ile; replaces asparagine 1423 with isoleucine.
Molecular consequence: missense variant.
Genome position (GRCh38, 1-based): chr14:102,001,227, A>T. VCF-style: chr14-102001227-A-T. GRCh37 (hg19) VCF-style: chr14-102467564-A-T.
Other names: short protein forms N1423I.
Identifiers: ClinVar variation 4278756 (VCV004278756.1).
Genomic context (GRCh38, chr14:102,001,227, plus strand): 5'-TGAAATCCGAAGCACTTAAAGACCGCCATTGGAAACAGCTCATGAAAAGGCTTCACGTTA[A>T]TTGGGTTGTTTCTGAGCTAACCCTTGGCCAAATCTGGGATGTTGACTTGCAGAAAAATGA-3'
Protein context (NP_001367.2, residues 1413-1433): WKQLMKRLHV[Asn1423Ile]WVVSELTLGQ